The following is an entry in ClinVar:

ClinVar aggregate classification (germline): Uncertain significance. Review status: criteria provided, multiple submitters, no conflicts (2 of 4 stars). 2 submissions from 2 submitters: Uncertain significance (2). Last evaluated 2024-02-21.

Conditions:
Hereditary cancer-predisposing syndrome. Also called: Hereditary Cancer Syndrome; Tumor predisposition; Hereditary neoplastic syndrome; Neoplastic Syndromes, Hereditary. Identifiers: Orphanet 140162, MedGen C0027672, MeSH D009386, MONDO:0015356.
Rhabdoid tumor predisposition syndrome 2 (RTPS2). Identifiers: Orphanet 231108, Orphanet 69077, MedGen C2750074, MONDO:0013224, OMIM 613325.

Submissions (2):

Ambry Genetics
Classification: Uncertain significance for Hereditary cancer-predisposing syndrome. Last evaluated: 2024-02-21. Review status: criteria provided, single submitter. Criteria: Ambry Variant Classification Scheme 2023. Collection method: clinical testing. Allele origin: germline.
Comment: The p.R89L variant (also known as c.266G>T), located in coding exon 2 of the SMARCA4 gene, results from a G to T substitution at nucleotide position 266. The arginine at codon 89 is replaced by leucine, an amino acid with dissimilar properties. This amino acid position is well conserved in available vertebrate species. In addition, this alteration is predicted to be deleterious by in silico analysis. Based on the available evidence, the clinical significance of this alteration remains unclear.

Labcorp Genetics (formerly Invitae), Labcorp
Classification: Uncertain significance for Rhabdoid tumor predisposition syndrome 2. Last evaluated: 2022-10-04. Review status: criteria provided, single submitter. Criteria: Invitae Variant Classification Sherloc (09022015). Collection method: clinical testing. Allele origin: germline.
Comment: In summary, the available evidence is currently insufficient to determine the role of this variant in disease. Therefore, it has been classified as a Variant of Uncertain Significance. Algorithms developed to predict the effect of missense changes on protein structure and function (SIFT, PolyPhen-2, Align-GVGD) all suggest that this variant is likely to be disruptive. ClinVar contains an entry for this variant (Variation ID: 1043850). This variant has not been reported in the literature in individuals affected with SMARCA4-related conditions. This variant is not present in population databases (gnomAD no frequency). This sequence change replaces arginine, which is basic and polar, with leucine, which is neutral and non-polar, at codon 89 of the SMARCA4 protein (p.Arg89Leu).

NM_003072.5(SMARCA4):c.266G>T (p.Arg89Leu)

Gene: SMARCA4 (SWI/SNF related BAF chromatin remodeling complex subunit ATPase 4; plus strand). Cytogenetic location: 19p13.2.
Variant type: single nucleotide variant.
Coding change: c.266G>T on transcript NM_003072.5 (MANE Select); coding-DNA position 266, G replaced by T.
Protein change: p.Arg89Leu; replaces arginine 89 with leucine.
Molecular consequence: missense variant. On other transcripts: non-coding transcript variant (1).
Genome position (GRCh38, 1-based): chr19:10,985,316, G>T. VCF-style: chr19-10985316-G-T. GRCh37 (hg19) VCF-style: chr19-11095992-G-T.
Other names: c.266G>T (NM_001128849.1); c.266G>T, p.Arg89Leu (NM_001128844.3, NM_001128845.2, NM_001128846.2 and 5 more transcripts); short protein forms R89L.
Identifiers: ClinVar variation 1043850 (VCV001043850.9), dbSNP rs1599941069, ClinGen allele CA404055171.